The following is an entry in ClinVar:

NM_053025.4(MYLK):c.249C>T (p.Cys83=)

Gene: MYLK (myosin light chain kinase; minus strand). Cytogenetic location: 3q21.1.
Variant type: single nucleotide variant.
Coding change: c.249C>T on transcript NM_053025.4 (MANE Select); coding-DNA position 249, C replaced by T.
Protein change: p.Cys83=; no amino-acid change (cysteine 83 retained).
Molecular consequence: synonymous variant. On other transcripts: intron variant (1).
Genome position (GRCh38, 1-based): chr3:123,752,455, G>A on the plus strand (C>T on the coding strand, the complement: MYLK is on the minus strand). VCF-style: chr3-123752455-G-A. GRCh37 (hg19) VCF-style: chr3-123471302-G-A.
Other names: c.249C>T, p.Cys83= (NM_053026.4, NM_053027.4, NM_053028.4); c.-155-12454C>T (NM_001321309.2).
Identifiers: ClinVar variation 1176789 (VCV001176789.44), dbSNP rs149179973, ClinGen allele CA068906.

ClinVar aggregate classification (germline): Likely benign. Review status: criteria provided, multiple submitters, no conflicts (2 of 4 stars). 4 submissions from 4 submitters: Likely benign (3). 1 of the submissions does not count toward it. Last evaluated 2026-01-12.

Conditions:
Familial thoracic aortic aneurysm and aortic dissection (TAAD). Also called: Thoracic aortic aneurysms and dissections. Identifiers: Orphanet 91387, MedGen C4707243, MONDO:0019625.
MYLK-related disorder. Also called: MYLK-related condition.
Aortic aneurysm, familial thoracic 7 (AAT7). Also called: AORTIC DISSECTION, FAMILIAL, WITH OR WITHOUT AORTIC ANEURYSM. Identifiers: MedGen C3151077, MONDO:0013418, OMIM 613780.

Allele frequency attached by ClinVar (database versions not stated): gnomAD exomes 0.00003 and 0.00006; ExAC 0.00007; TOPMed 0.00019; gnomAD 0.00021 and 0.00023; ESP Exome Variant Server 0.00038.
gnomAD v4.1: 73 of 1,614,042 alleles (0.0045%); highest among the groups gnomAD compares: African/African-American, 0.057%; no homozygotes.

Submissions (4):

Labcorp Genetics (formerly Invitae), Labcorp
Classification: Likely benign for Aortic aneurysm, familial thoracic 7. Last evaluated: 2026-01-12. Review status: criteria provided, single submitter. Criteria: Invitae Variant Classification Sherloc (09022015). Collection method: clinical testing. Allele origin: germline.

Ambry Genetics
Classification: Likely benign for Familial thoracic aortic aneurysm and aortic dissection. Last evaluated: 2022-03-16. Review status: criteria provided, single submitter. Criteria: Ambry Variant Classification Scheme 2023. Collection method: clinical testing. Allele origin: germline.

CeGaT Center for Human Genetics Tuebingen
Classification: Likely benign. Last evaluated: 2021-06-01. Review status: criteria provided, single submitter. Criteria: CeGaT Center For Human Genetics Tuebingen Variant Classification Criteria Version 2. Collection method: clinical testing. Allele origin: germline. Affected: yes. Observed: 1 variant allele.

PreventionGenetics, part of Exact Sciences
Classification: Likely benign for MYLK-related condition. Last evaluated: 2023-08-01. Review status: no assertion criteria provided. Collection method: clinical testing. Allele origin: germline. Not counted in ClinVar's aggregate classification.
Comment: This variant is classified as likely benign based on ACMG/AMP sequence variant interpretation guidelines (Richards et al. 2015 PMID: 25741868, with internal and published modifications).